The following is an entry in ClinVar:

ClinVar aggregate classification (germline): Uncertain significance. Review status: criteria provided, multiple submitters, no conflicts (2 of 4 stars). 2 submissions from 2 submitters: Uncertain significance (2). Last evaluated 2025-12-23.

Conditions:
Inborn genetic diseases. Identifiers: MedGen C0950123, MeSH D030342.

Allele frequency attached by ClinVar (database versions not stated): gnomAD 0.00001; gnomAD exomes 0.00002; TOPMed 0.00002; ExAC 0.00003.

Submissions (2):

Labcorp Genetics (formerly Invitae), Labcorp
Classification: Uncertain significance. Last evaluated: 2025-12-23. Review status: criteria provided, single submitter. Criteria: Invitae Variant Classification Sherloc (09022015). Collection method: clinical testing. Allele origin: germline.
Comment: This sequence change replaces arginine, which is basic and polar, with cysteine, which is neutral and slightly polar, at codon 439 of the ABCB6 protein (p.Arg439Cys). This variant is present in population databases (rs746772305, gnomAD 0.006%). This variant has not been reported in the literature in individuals affected with ABCB6-related conditions. ClinVar contains an entry for this variant (Variation ID: 2487852). An algorithm developed to predict the effect of missense changes on protein structure and function (PolyPhen-2) suggests that this variant is likely to be disruptive. In summary, the available evidence is currently insufficient to determine the role of this variant in disease. Therefore, it has been classified as a Variant of Uncertain Significance.

Ambry Genetics
Classification: Uncertain significance for Inborn genetic diseases. Last evaluated: 2023-02-22. Review status: criteria provided, single submitter. Criteria: Ambry Variant Classification Scheme 2023. Collection method: clinical testing. Allele origin: germline.

NM_005689.4(ABCB6):c.1315C>T (p.Arg439Cys)

Gene: ABCB6 (ATP binding cassette subfamily B member 6 (LAN blood group); minus strand). Cytogenetic location: 2q35.
Variant type: single nucleotide variant.
Coding change: c.1315C>T on transcript NM_005689.4 (MANE Select); coding-DNA position 1315, C replaced by T.
Protein change: p.Arg439Cys; replaces arginine 439 with cysteine.
Molecular consequence: missense variant.
Genome position (GRCh38, 1-based): chr2:219,214,460, G>A on the plus strand (C>T on the coding strand, the complement: ABCB6 is on the minus strand). VCF-style: chr2-219214460-G-A. GRCh37 (hg19) VCF-style: chr2-220079182-G-A.
Other names: c.1177C>T, p.Arg393Cys (NM_001349828.2); short protein forms R393C, R439C.
Identifiers: ClinVar variation 2487852 (VCV002487852.3), dbSNP rs746772305, ClinGen allele CA2119457.